The following is an entry in ClinVar:

NM_002860.4(ALDH18A1):c.2257G>A (p.Gly753Arg)

Gene: ALDH18A1 (aldehyde dehydrogenase 18 family member A1; minus strand). Cytogenetic location: 10q24.1.
Variant type: single nucleotide variant.
Coding change: c.2257G>A on transcript NM_002860.4 (MANE Select); coding-DNA position 2257, G replaced by A.
Protein change: p.Gly753Arg; replaces glycine 753 with arginine.
Molecular consequence: missense variant.
Genome position (GRCh38, 1-based): chr10:95,606,893, C>T on the plus strand (G>A on the coding strand, the complement: ALDH18A1 is on the minus strand). VCF-style: chr10-95606893-C-T. GRCh37 (hg19) VCF-style: chr10-97366650-C-T.
Other names: c.2251G>A, p.Gly751Arg (NM_001017423.2, NM_001323415.2); c.1924G>A, p.Gly642Arg (NM_001323412.2, NM_001323416.2); c.2257G>A, p.Gly753Arg (NM_001323413.2, NM_001323414.2); c.2152G>A, p.Gly718Arg (NM_001323417.2); c.1918G>A, p.Gly640Arg (NM_001323418.2); c.1621G>A, p.Gly541Arg (NM_001323419.2); short protein forms G753R, G541R, G640R, G642R, G751R, G718R.
Identifiers: ClinVar variation 1371088 (VCV001371088.6), dbSNP rs2139513759, ClinGen allele CA377699070.
Genomic context (GRCh38, chr10:95,606,893, plus strand): 5'-CTGAGACCACGTGGTCCTTCCCTCGCAGCAGCCACTTAGTAGTAAGCAGTCCCTCAAGTC[C>T]TACTGGTCCCCGGGCGTGGATTCTCGATGTACTGATTCCCACTTCAGCTCCTGTGAAAAA-3'
Protein context (NP_002851.2, residues 743-763): TSRIHARGPV[Gly753Arg]LEGLLTTKWL

ClinVar aggregate classification (germline): Uncertain significance (1 of 4 stars; one submission).

Conditions:
Autosomal dominant spastic paraplegia type 9. Identifiers: MedGen C1832669, MONDO:0015091.
Cutis laxa, autosomal dominant 3 (ADCL3). Identifiers: Orphanet 90348, MedGen C4225268, MONDO:0014706, OMIM 616603.
de Barsy syndrome. Also called: Cutis laxa-corneal clouding-oligophrenia syndrome. Identifiers: Orphanet 2962, MedGen C0268354, MONDO:0017569.

Submission:

Labcorp Genetics (formerly Invitae), Labcorp
Classification: Uncertain significance for Autosomal dominant spastic paraplegia type 9; de Barsy syndrome; Cutis laxa, autosomal dominant 3. Last evaluated: 2021-08-28. Review status: criteria provided, single submitter. Criteria: Invitae Variant Classification Sherloc (09022015). Collection method: clinical testing. Allele origin: germline.
Comment: This variant has not been reported in the literature in individuals affected with ALDH18A1-related conditions. In summary, the available evidence is currently insufficient to determine the role of this variant in disease. Therefore, it has been classified as a Variant of Uncertain Significance. Algorithms developed to predict the effect of sequence changes on RNA splicing suggest that this variant may create or strengthen a splice site. Algorithms developed to predict the effect of missense changes on protein structure and function (SIFT, PolyPhen-2, Align-GVGD) all suggest that this variant is likely to be disruptive. This variant is not present in population databases (ExAC no frequency). This sequence change replaces glycine with arginine at codon 753 of the ALDH18A1 protein (p.Gly753Arg). The glycine residue is highly conserved and there is a moderate physicochemical difference between glycine and arginine.